The following is an entry in ClinVar:

NM_001080432.3(FTO):c.1295A>G (p.Asn432Ser)

Gene: FTO (FTO alpha-ketoglutarate dependent dioxygenase; plus strand). Cytogenetic location: 16q12.2.
Variant type: single nucleotide variant.
Coding change: c.1295A>G on transcript NM_001080432.3 (MANE Select); coding-DNA position 1295, A replaced by G.
Protein change: p.Asn432Ser; replaces asparagine 432 with serine.
Molecular consequence: missense variant. On other transcripts: non-coding transcript variant (1), intron variant (2).
Genome position (GRCh38, 1-based): chr16:53,934,040, A>G. VCF-style: chr16-53934040-A-G. GRCh37 (hg19) VCF-style: chr16-53967952-A-G.
Other names: c.1325A>G, p.Asn442Ser (NM_001363891.2); c.1358A>G, p.Asn453Ser (NM_001363894.2); c.1217A>G, p.Asn406Ser (NM_001363897.2); c.1181A>G, p.Asn394Ser (NM_001363898.2, NM_001363899.2); c.1151A>G, p.Asn384Ser (NM_001363900.2, NM_001363901.2); c.782A>G, p.Asn261Ser (NM_001363905.2); c.1295A>G, p.Asn432Ser (NM_001363988.2, NM_001438128.1, NM_001438129.1 and 1 more transcripts); c.1240-22643A>G (NM_001363896.2); and 1 more; short protein forms N453S, N261S, N394S, N406S, N432S, N384S, N442S.
Identifiers: ClinVar variation 886841 (VCV000886841.9), dbSNP rs141327394, ClinGen allele CA8058600.

ClinVar aggregate classification (germline): Conflicting classifications of pathogenicity. Review status: criteria provided, conflicting classifications (1 of 4 stars). 4 submissions from 4 submitters: Uncertain significance (3); Likely benign (1). Last evaluated 2025-04-29.

Conditions:
Inborn genetic diseases. Identifiers: MedGen C0950123, MeSH D030342.
Lethal polymalformative syndrome, Boissel type. Also called: GROWTH RETARDATION, DEVELOPMENTAL DELAY, AND FACIAL DYSMORPHISM. Identifiers: Orphanet 210144, MedGen C2752001, MONDO:0013050, OMIM 612938.

Allele frequency attached by ClinVar (database versions not stated): TOPMed 0.00003; gnomAD 0.00004 and 0.00005; gnomAD exomes 0.00004 and 0.00006; ExAC 0.00008; 1000 Genomes Project 30x 0.00016; 1000 Genomes Project 0.00020.
gnomAD v4.1: 115 of 1,614,154 alleles (0.0071%); highest among the groups gnomAD compares: Middle Eastern, 0.21%; 2 homozygotes.

Submissions (4):

Ambry Genetics
Classification: Uncertain significance for Inborn genetic diseases. Last evaluated: 2025-04-29. Review status: criteria provided, single submitter. Criteria: Ambry Variant Classification Scheme 2023. Collection method: clinical testing. Allele origin: germline.

Blueprint Genetics
Classification: Likely benign. Last evaluated: 2024-11-14. Review status: criteria provided, single submitter. Criteria: ACMG Guidelines, 2015. Collection method: clinical testing. Allele origin: germline.

Labcorp Genetics (formerly Invitae), Labcorp
Classification: Uncertain significance. Last evaluated: 2022-09-29. Review status: criteria provided, single submitter. Criteria: Invitae Variant Classification Sherloc (09022015). Collection method: clinical testing. Allele origin: germline.
Comment: This sequence change replaces asparagine, which is neutral and polar, with serine, which is neutral and polar, at codon 432 of the FTO protein (p.Asn432Ser). This variant is present in population databases (rs141327394, gnomAD 0.009%). This variant has not been reported in the literature in individuals affected with FTO-related conditions. ClinVar contains an entry for this variant (Variation ID: 886841). Advanced modeling of protein sequence and biophysical properties (such as structural, functional, and spatial information, amino acid conservation, physicochemical variation, residue mobility, and thermodynamic stability) performed at Invitae indicates that this missense variant is not expected to disrupt FTO protein function. In summary, the available evidence is currently insufficient to determine the role of this variant in disease. Therefore, it has been classified as a Variant of Uncertain Significance.

Illumina Laboratory Services, Illumina
Classification: Uncertain significance for Lethal polymalformative syndrome, Boissel type. Last evaluated: 2017-04-27. Review status: criteria provided, single submitter. Criteria: ICSL Variant Classification Criteria 13 December 2019. Collection method: clinical testing. Allele origin: germline.